The following is an entry in ClinVar:

ClinVar aggregate classification (germline): Benign. Review status: criteria provided, multiple submitters, no conflicts (2 of 4 stars). 14 submissions from 12 submitters: Benign (10). 4 of the submissions do not count toward it. Last evaluated 2026-02-03.

Conditions:
Spinocerebellar ataxia type 15/16 (SCA15). Also called: Spinocerebellar Ataxia Type 15. Identifiers: Orphanet 98769, MedGen C1847725, MONDO:0011694, OMIM 606658.
Spinocerebellar ataxia type 29 (SCA29). Also called: CEREBELLAR ATAXIA, CONGENITAL NONPROGRESSIVE, AUTOSOMAL DOMINANT; Spinocerebellar ataxia 29, congenital nonprogressive. Identifiers: Orphanet 208513, MedGen C1861732, MONDO:0007298, OMIM 117360.
Gillespie syndrome (GLSP). Also called: Aniridia-cerebellar ataxia-intellectual disability syndrome; Aniridia, cerebellar ataxia, and mental deficiency. Identifiers: Orphanet 1065, MedGen C0431401, MONDO:0008795, OMIM 206700.
Autosomal dominant cerebellar ataxia. Also called: Spinocerebellar Ataxia, Dominant. Identifiers: Orphanet 99, MedGen C4087347, MONDO:0020380.

Allele frequency attached by ClinVar (database versions not stated): 1000 Genomes Project 30x 0.58573; 1000 Genomes Project 0.58746; TOPMed 0.59088; gnomAD 0.59379 and 0.59476; ESP Exome Variant Server 0.59549; ExAC 0.60545; gnomAD exomes 0.60851.
gnomAD v4.1: 965,617 of 1,590,260 alleles (61%); highest among the groups gnomAD compares: East Asian, 72%; 291,925 homozygotes.

Submissions (14):

Labcorp Genetics (formerly Invitae), Labcorp
Classification: Benign. Last evaluated: 2026-02-03. Review status: criteria provided, single submitter. Criteria: Invitae Variant Classification Sherloc (09022015). Collection method: clinical testing. Allele origin: germline.

Blueprint Genetics
Classification: Benign. Last evaluated: 2024-11-26. Review status: criteria provided, single submitter. Criteria: ACMG Guidelines, 2015. Collection method: clinical testing. Allele origin: germline.

Mayo Clinic Laboratories, Mayo Clinic
Classification: Benign. Last evaluated: 2022-03-24. Review status: criteria provided, single submitter. Criteria: ACMG Guidelines, 2015. Collection method: clinical testing. Allele origin: germline. Observed: 405 variant alleles.

Genome-Nilou Lab
Classification: Benign for Gillespie syndrome. Last evaluated: 2021-08-19. Review status: criteria provided, single submitter. Criteria: ACMG Guidelines, 2015. Collection method: clinical testing. Allele origin: germline. Affected: no.

Genome-Nilou Lab
Classification: Benign for Spinocerebellar ataxia type 15/16. Last evaluated: 2021-08-19. Review status: criteria provided, single submitter. Criteria: ACMG Guidelines, 2015. Collection method: clinical testing. Allele origin: germline. Affected: no.

Genome-Nilou Lab
Classification: Benign for Spinocerebellar ataxia type 29. Last evaluated: 2021-08-19. Review status: criteria provided, single submitter. Criteria: ACMG Guidelines, 2015. Collection method: clinical testing. Allele origin: germline. Affected: no.

Athena Diagnostics
Classification: Benign. Last evaluated: 2019-07-15. Review status: criteria provided, single submitter. Criteria: Athena Diagnostics Criteria. Collection method: clinical testing. Allele origin: germline.

GeneDx
Classification: Benign. Last evaluated: 2018-07-05. Review status: criteria provided, single submitter. Criteria: GeneDx Variant Classification Process June 2021. Collection method: clinical testing. Allele origin: germline. Affected: yes.

Illumina Laboratory Services, Illumina
Classification: Benign for Spinocerebellar Ataxia, Dominant. Last evaluated: 2018-01-12. Review status: criteria provided, single submitter. Criteria: ICSL Variant Classification Criteria 13 December 2019. Collection method: clinical testing. Allele origin: germline.
Comment: This variant was observed in the ICSL laboratory as part of a predisposition screen in an ostensibly healthy population. It had not been previously curated by ICSL or reported in the Human Gene Mutation Database (HGMD: prior to June 1st, 2018), and was therefore a candidate for classification through an automated scoring system. Utilizing variant allele frequency, disease prevalence and penetrance estimates, and inheritance mode, an automated score was calculated to assess if this variant is too frequent to cause the disease. Based on the score and internal cut-off values, a variant classified as benign is not then subjected to further curation. The score for this variant resulted in a classification of benign for this disease.

Breakthrough Genomics
Classification: Benign. Review status: criteria provided, single submitter. Criteria: ACMG Guidelines, 2015. Collection method: not provided. Allele origin: germline. Inheritance: Autosomal dominant inheritance. Affected: yes.

Clinical Genetics DNA and cytogenetics Diagnostics Lab, Erasmus MC, Erasmus Medical Center
Classification: Benign. Review status: no assertion criteria provided. Collection method: clinical testing. Allele origin: germline. Affected: yes. Study: VKGL Data-share Consensus. Not counted in ClinVar's aggregate classification.

Diagnostic Laboratory, Department of Genetics, University Medical Center Groningen
Classification: Benign. Review status: no assertion criteria provided. Collection method: clinical testing. Allele origin: germline. Affected: yes. Study: VKGL Data-share Consensus. Not counted in ClinVar's aggregate classification.

Genetic Services Laboratory, University of Chicago
Classification: Likely benign for AllHighlyPenetrant. Review status: no assertion criteria provided. Collection method: clinical testing. Allele origin: germline. Inheritance: Autosomal dominant inheritance. Not counted in ClinVar's aggregate classification.
Comment: Likely benign based on allele frequency in 1000 Genomes Project or ESP global frequency and its presence in a patient with a rare or unrelated disease phenotype. NOT Sanger confirmed.

Joint Genome Diagnostic Labs from Nijmegen and Maastricht, Radboudumc and MUMC+
Classification: Benign. Review status: no assertion criteria provided. Collection method: clinical testing. Allele origin: germline. Affected: yes. Study: VKGL Data-share Consensus. Not counted in ClinVar's aggregate classification.

NM_001378452.1(ITPR1):c.7689G>A (p.Lys2563=)

Genes: ITPR1 (inositol 1,4,5-trisphosphate receptor type 1; plus strand), LOC126806590 (MED14-independent group 3 enhancer GRCh37_chr3:4855759-4856958; plus strand). Cytogenetic location: 3p26.1.
Variant type: single nucleotide variant.
Coding change: c.7689G>A on transcript NM_001378452.1 (MANE Select); coding-DNA position 7689, G replaced by A.
Protein change: p.Lys2563=; no amino-acid change (lysine 2563 retained).
Molecular consequence: synonymous variant.
Genome position (GRCh38, 1-based): chr3:4,814,550, G>A. VCF-style: chr3-4814550-G-A. GRCh37 (hg19) VCF-style: chr3-4856234-G-A.
Other names: p.Lys2500=; c.7545G>A, p.Lys2515= (NM_001099952.4); c.7644G>A, p.Lys2548= (NM_001168272.2); c.7500G>A, p.Lys2500= (NM_002222.7).
Identifiers: ClinVar variation 129304 (VCV000129304.29), dbSNP rs901854, ClinGen allele CA153228.
Genomic context (GRCh38, chr3:4,814,550, plus strand): 5'-TGTCACTGTGCTGAGTCACGGGCTGCGGAGCGGGGGTGGAGTAGGAGATGTACTCAGGAA[G>A]CCGTCCAAAGAGGTAAATTAATCCCGAGGGGAAGGAAGGGCAAAGGGGGCGGGTGGGGTG-3'
Protein context (NP_001365381.1, residues 2553-2573): SGGGVGDVLR[Lys2563=]PSKEEPLFAA